The following is an entry in ClinVar:

ClinVar aggregate classification (germline): Benign/Likely benign. Review status: criteria provided, multiple submitters, no conflicts (2 of 4 stars). 5 submissions from 5 submitters: Benign (3); Likely benign (2). Last evaluated 2026-08-01.

Allele frequency attached by ClinVar (database versions not stated): 1000 Genomes Project 0.00359; 1000 Genomes Project 30x 0.00406; gnomAD 0.00750 and 0.00787; TOPMed 0.00759; gnomAD exomes 0.00791; ExAC 0.00877; ESP Exome Variant Server 0.00961.
gnomAD v4.1: 16,781 of 1,610,118 alleles (1%); highest among the groups gnomAD compares: Non-Finnish European, 1.3%; 101 homozygotes.

Submissions (5):

CeGaT Center for Human Genetics Tuebingen
Classification: Benign. Last evaluated: 2026-08-01. Review status: criteria provided, single submitter. Criteria: CeGaT Center For Human Genetics Tuebingen Variant Classification Criteria Version 2. Collection method: clinical testing. Allele origin: germline. Affected: yes. Observed: 16 variant alleles.
Comment: NBAS: BP4, BS1, BS2

Labcorp Genetics (formerly Invitae), Labcorp
Classification: Benign. Last evaluated: 2026-02-02. Review status: criteria provided, single submitter. Criteria: Invitae Variant Classification Sherloc (09022015). Collection method: clinical testing. Allele origin: germline.

Mayo Clinic Laboratories, Mayo Clinic
Classification: Benign. Last evaluated: 2023-08-29. Review status: criteria provided, single submitter. Criteria: ACMG Guidelines, 2015. Collection method: clinical testing. Allele origin: germline. Observed: 4 variant alleles.
Comment: BA1, BS2, BP4

Center for Pediatric Genomic Medicine, Children's Mercy Hospital and Clinics
Classification: Likely benign. Last evaluated: 2017-09-15. Review status: criteria provided, single submitter. Criteria: ACMG Guidelines, 2015. Collection method: clinical testing. Allele origin: germline.

Breakthrough Genomics
Classification: Likely benign. Review status: criteria provided, single submitter. Criteria: ACMG Guidelines, 2015. Collection method: not provided. Allele origin: germline. Inheritance: Autosomal recessive inheritance. Affected: yes.

NM_015909.4(NBAS):c.1093G>C (p.Asp365His)

Gene: NBAS (NBAS subunit of NRZ tethering complex; minus strand). Cytogenetic location: 2p24.3.
Variant type: single nucleotide variant.
Coding change: c.1093G>C on transcript NM_015909.4 (MANE Select); coding-DNA position 1093, G replaced by C.
Protein change: p.Asp365His; replaces aspartic acid 365 with histidine.
Molecular consequence: missense variant. On other transcripts: non-coding transcript variant (1).
Genome position (GRCh38, 1-based): chr2:15,478,280, C>G on the plus strand (G>C on the coding strand, the complement: NBAS is on the minus strand). VCF-style: chr2-15478280-C-G. GRCh37 (hg19) VCF-style: chr2-15618404-C-G.
Other names: p.Asp365His; short protein forms D365H.
Identifiers: ClinVar variation 446082 (VCV000446082.38), dbSNP rs76459791, ClinGen allele CA1536786.